The following is an entry in ClinVar:

ClinVar aggregate classification (germline): Uncertain significance. Review status: criteria provided, multiple submitters, no conflicts (2 of 4 stars). 4 submissions from 4 submitters: Uncertain significance (4). Last evaluated 2025-10-08.

Conditions:
TNFRSF13B-related disorder. Also called: TNFRSF13B-related condition.
Inborn genetic diseases. Identifiers: MedGen C0950123, MeSH D030342.
Immunodeficiency, common variable, 2 (CVID2). Also called: HYPOGAMMAGLOBULINEMIA DUE TO TACI DEFICIENCY; ANTIBODY DEFICIENCY DUE TO TACI DEFECT. Identifiers: Orphanet 1572, MedGen C3150354, MONDO:0009413, OMIM 240500.
Immunoglobulin A deficiency 2 (IGAD2). Identifiers: MedGen C1836032, MONDO:0012291, OMIM 609529.

Allele frequency attached by ClinVar (database versions not stated): gnomAD exomes 0.00003 and 0.00004; ExAC 0.00005; gnomAD 0.00006; TOPMed 0.00007.
gnomAD v4.1: 70 of 1,614,026 alleles (0.0043%); highest among the groups gnomAD compares: Non-Finnish European, 0.0053%; no homozygotes.

Submissions (4):

Labcorp Genetics (formerly Invitae), Labcorp
Classification: Uncertain significance for Immunodeficiency, common variable, 2. Last evaluated: 2025-10-08. Review status: criteria provided, single submitter. Criteria: Invitae Variant Classification Sherloc (09022015). Collection method: clinical testing. Allele origin: germline.
Comment: This sequence change replaces arginine, which is basic and polar, with tryptophan, which is neutral and slightly polar, at codon 12 of the TNFRSF13B protein (p.Arg12Trp). This variant is present in population databases (rs779924436, gnomAD 0.01%). This variant has not been reported in the literature in individuals affected with TNFRSF13B-related conditions. ClinVar contains an entry for this variant (Variation ID: 1376163). Invitae Evidence Modeling of protein sequence and biophysical properties (such as structural, functional, and spatial information, amino acid conservation, physicochemical variation, residue mobility, and thermodynamic stability) indicates that this missense variant is not expected to disrupt TNFRSF13B protein function with a negative predictive value of 95%. In summary, the available evidence is currently insufficient to determine the role of this variant in disease. Therefore, it has been classified as a Variant of Uncertain Significance.

PreventionGenetics, part of Exact Sciences
Classification: Uncertain significance for TNFRSF13B-related condition. Last evaluated: 2025-05-12. Review status: criteria provided, single submitter. Criteria: ACMG Guidelines, 2015. Collection method: clinical testing. Allele origin: germline.
Comment: The TNFRSF13B c.34C>T variant is predicted to result in the amino acid substitution p.Arg12Trp. To our knowledge, this variant has not been reported in the literature. This variant is reported in 0.010% of alleles in individuals of East Asian descent in gnomAD. At this time, the clinical significance of this variant is uncertain due to the absence of conclusive functional and genetic evidence.

Ambry Genetics
Classification: Uncertain significance for Inborn genetic diseases. Last evaluated: 2022-09-26. Review status: criteria provided, single submitter. Criteria: Ambry Variant Classification Scheme 2023. Collection method: clinical testing. Allele origin: germline.

Center for Genomics, Ann and Robert H. Lurie Children's Hospital of Chicago
Classification: Uncertain significance for Immunodeficiency, common variable, 2; Immunoglobulin A deficiency 2. Review status: criteria provided, single submitter. Criteria: ACMG Guidelines, 2015. Collection method: clinical testing. Allele origin: germline.
Comment: TNFRSF13B NM_012452.2 exon 1 p.Arg12Trp (c.34C>T): This variant has not been reported in the literature but is present in 0.01% (7/68024) of European alleles in the Genome Aggregation Database. This variant amino acid Tryptophan (Trp) is present in several species including mammals and is not well conserved among evolutionarily distant species; this suggests that this variant may not impact the protein. Additional computational prediction tools do not suggest an impact. In summary, data on this variant is insufficient for disease classification. Therefore, the clinical significance of this variant is uncertain

NM_012452.3(TNFRSF13B):c.34C>T (p.Arg12Trp)

Gene: TNFRSF13B (TNF receptor superfamily member 13B; minus strand). Cytogenetic location: 17p11.2.
Variant type: single nucleotide variant.
Coding change: c.34C>T on transcript NM_012452.3 (MANE Select); coding-DNA position 34, C replaced by T.
Protein change: p.Arg12Trp; replaces arginine 12 with tryptophan.
Molecular consequence: missense variant.
Genome position (GRCh38, 1-based): chr17:16,972,042, G>A on the plus strand (C>T on the coding strand, the complement: TNFRSF13B is on the minus strand). VCF-style: chr17-16972042-G-A. GRCh37 (hg19) VCF-style: chr17-16875356-G-A.
Other names: c.34C>T (NM_012452.2); short protein forms R12W.
Identifiers: ClinVar variation 1376163 (VCV001376163.12), dbSNP rs779924436, ClinGen allele CA8414164.